The following is an entry in ClinVar:

ClinVar aggregate classification (germline): Uncertain significance (1 of 4 stars; one submission).

Conditions:
Atrial fibrillation, familial, 14 (ATFB14). Identifiers: MedGen C3809312, MONDO:0014156, OMIM 615378.

Submission:

Labcorp Genetics (formerly Invitae), Labcorp
Classification: Uncertain significance for Atrial fibrillation, familial, 14. Last evaluated: 2022-03-18. Review status: criteria provided, single submitter. Criteria: Invitae Variant Classification Sherloc (09022015). Collection method: clinical testing. Allele origin: germline.
Comment: This sequence change replaces phenylalanine, which is neutral and non-polar, with leucine, which is neutral and non-polar, at codon 52 of the SCN2B protein (p.Phe52Leu). This variant is not present in population databases (gnomAD no frequency). This variant has not been reported in the literature in individuals affected with SCN2B-related conditions. ClinVar contains an entry for this variant (Variation ID: 972271). Algorithms developed to predict the effect of missense changes on protein structure and function are either unavailable or do not agree on the potential impact of this missense change (SIFT: "Tolerated"; PolyPhen-2: "Probably Damaging"; Align-GVGD: "Class C0"). In summary, the available evidence is currently insufficient to determine the role of this variant in disease. Therefore, it has been classified as a Variant of Uncertain Significance.

NM_004588.5(SCN2B):c.154T>C (p.Phe52Leu)

Gene: SCN2B (sodium voltage-gated channel beta subunit 2; minus strand). Cytogenetic location: 11q23.3.
Variant type: single nucleotide variant.
Coding change: c.154T>C on transcript NM_004588.5 (MANE Select); coding-DNA position 154, T replaced by C.
Protein change: p.Phe52Leu; replaces phenylalanine 52 with leucine.
Molecular consequence: missense variant.
Genome position (GRCh38, 1-based): chr11:118,168,668, A>G on the plus strand (T>C on the coding strand, the complement: SCN2B is on the minus strand). VCF-style: chr11-118168668-A-G. GRCh37 (hg19) VCF-style: chr11-118039383-A-G.
Other names: short protein forms F52L.
Identifiers: ClinVar variation 972271 (VCV000972271.10), dbSNP rs1948405888, ClinGen allele CA382769048.
Genomic context (GRCh38, chr11:118,168,668, plus strand): 5'-ACTCCTGGTAAGTCCAGTTCAGGGAGAACTGTTTGTGGTTCACTGTGTAGCAGGAGTTGA[A>G]GGTGCAGGGCAGGCGGGCGTCAGAGCCATTGAGGACGTTGAGGGTGGCAGGTACTGTGAC-3'
Protein context (NP_004579.1, residues 42-62): NGSDARLPCT[Phe52Leu]NSCYTVNHKQ